The following is an entry in ClinVar:

NM_016955.4(SEPSECS):c.299A>G (p.Asp100Gly)

Gene: SEPSECS (Sep (O-phosphoserine) tRNA:Sec (selenocysteine) tRNA synthase; minus strand). Cytogenetic location: 4p15.2.
Variant type: single nucleotide variant.
Coding change: c.299A>G on transcript NM_016955.4 (MANE Select); coding-DNA position 299, A replaced by G.
Protein change: p.Asp100Gly; replaces aspartic acid 100 with glycine.
Molecular consequence: missense variant.
Genome position (GRCh38, 1-based): chr4:25,156,945, T>C on the plus strand (A>G on the coding strand, the complement: SEPSECS is on the minus strand). VCF-style: chr4-25156945-T-C. GRCh37 (hg19) VCF-style: chr4-25158567-T-C.
Other names: c.554A>G, p.Asp185Gly (NM_001410714.1); short protein forms D100G, D185G.
Identifiers: ClinVar variation 4864318 (VCV004864318.1).

ClinVar aggregate classification (germline): Uncertain significance (1 of 4 stars; one submission).

Conditions:
Inborn genetic diseases. Identifiers: MedGen C0950123, MeSH D030342.

gnomAD v4.1: 8 of 1,612,790 alleles (0.0005%); highest among the groups gnomAD compares: African/African-American, 0.004%; no homozygotes.

Submission:

Ambry Genetics
Classification: Uncertain significance for Inborn genetic diseases. Last evaluated: 2026-04-14. Review status: criteria provided, single submitter. Criteria: Ambry Variant Classification Scheme 2023. Collection method: clinical testing. Allele origin: germline.
Comment: The c.299A>G (p.D100G) alteration is located in exon 3 (coding exon 3) of the SEPSECS gene. This alteration results from a A to G substitution at nucleotide position 299, causing the aspartic acid (D) at amino acid position 100 to be replaced by a glycine (G). Based on data from gnomAD, the G allele has an overall frequency of 0.002% (4/251488) total alleles studied. The highest observed frequency was 0.006% (1/16254) of African alleles. Based on insufficient or conflicting evidence, the clinical significance of this alteration remains unclear.